The following is an entry in ClinVar:

NM_000179.3(MSH6):c.2335T>C (p.Cys779Arg)

Gene: MSH6 (mutS homolog 6; plus strand). Cytogenetic location: 2p16.3.
Variant type: single nucleotide variant.
Coding change: c.2335T>C on transcript NM_000179.3 (MANE Select); coding-DNA position 2335, T replaced by C.
Protein change: p.Cys779Arg; replaces cysteine 779 with arginine.
Molecular consequence: missense variant.
Genome position (GRCh38, 1-based): chr2:47,800,318, T>C. VCF-style: chr2-47800318-T-C. GRCh37 (hg19) VCF-style: chr2-48027457-T-C.
Other names: c.1945T>C, p.Cys649Arg (NM_001281492.2); c.1429T>C, p.Cys477Arg (NM_001281493.2, NM_001281494.2); short protein forms C779R, C477R, C649R.
Identifiers: ClinVar variation 843057 (VCV000843057.17), dbSNP rs1320505279, ClinGen allele CA346753396.

ClinVar aggregate classification (germline): Uncertain significance. Review status: criteria provided, multiple submitters, no conflicts (2 of 4 stars). 4 submissions from 4 submitters: Uncertain significance (4). Last evaluated 2024-05-02.

Conditions:
Hereditary nonpolyposis colorectal neoplasms. Identifiers: MedGen C0009405, MeSH D003123.
Hereditary cancer-predisposing syndrome. Also called: Hereditary Cancer Syndrome; Hereditary neoplastic syndrome; Tumor predisposition; Neoplastic Syndromes, Hereditary. Identifiers: Orphanet 140162, MedGen C0027672, MeSH D009386, MONDO:0015356.

Allele frequency attached by ClinVar (database versions not stated): gnomAD exomes below 0.00001.
gnomAD v4.1: 2 of 1,614,190 alleles (0.00012%); highest among the groups gnomAD compares: Admixed American, 0.0033%; no homozygotes.

Submissions (4):

Labcorp Genetics (formerly Invitae), Labcorp
Classification: Uncertain significance for Hereditary nonpolyposis colorectal neoplasms. Last evaluated: 2024-05-02. Review status: criteria provided, single submitter. Criteria: Invitae Variant Classification Sherloc (09022015). Collection method: clinical testing. Allele origin: germline.
Comment: This sequence change replaces cysteine, which is neutral and slightly polar, with arginine, which is basic and polar, at codon 779 of the MSH6 protein (p.Cys779Arg). This variant is present in population databases (no rsID available, gnomAD 0.003%). This variant has not been reported in the literature in individuals affected with MSH6-related conditions. ClinVar contains an entry for this variant (Variation ID: 843057). Advanced modeling of protein sequence and biophysical properties (such as structural, functional, and spatial information, amino acid conservation, physicochemical variation, residue mobility, and thermodynamic stability) has been performed at Invitae for this missense variant, however the output from this modeling did not meet the statistical confidence thresholds required to predict the impact of this variant on MSH6 protein function. In summary, the available evidence is currently insufficient to determine the role of this variant in disease. Therefore, it has been classified as a Variant of Uncertain Significance.

Color Diagnostics, LLC DBA Color Health
Classification: Uncertain significance for Hereditary cancer-predisposing syndrome. Last evaluated: 2023-12-04. Review status: criteria provided, single submitter. Criteria: ACMG Guidelines, 2015. Collection method: clinical testing. Allele origin: germline.
Comment: This missense variant replaces cysteine with arginine at codon 779 of the MSH6 protein. Computational prediction suggests that this variant may have deleterious impact on protein structure and function (internally defined REVEL score threshold >= 0.7, PMID: 27666373). To our knowledge, functional studies have not been reported for this variant. This variant has not been reported in individuals affected with MSH6-related disorders in the literature. This variant has been identified in 1/251124 chromosomes in the general population by the Genome Aggregation Database (gnomAD). The available evidence is insufficient to determine the role of this variant in disease conclusively. Therefore, this variant is classified as a Variant of Uncertain Significance.

Ambry Genetics
Classification: Uncertain significance for Hereditary cancer-predisposing syndrome. Last evaluated: 2023-09-13. Review status: criteria provided, single submitter. Criteria: Ambry Variant Classification Scheme 2023. Collection method: clinical testing. Allele origin: germline.
Comment: The p.C779R variant (also known as c.2335T>C), located in coding exon 4 of the MSH6 gene, results from a T to C substitution at nucleotide position 2335. The cysteine at codon 779 is replaced by arginine, an amino acid with highly dissimilar properties. This amino acid position is conserved. In addition, this alteration is predicted to be deleterious by in silico analysis. Since supporting evidence is limited at this time, the clinical significance of this alteration remains unclear.

GeneDx
Classification: Uncertain significance. Last evaluated: 2022-11-17. Review status: criteria provided, single submitter. Criteria: GeneDx Variant Classification Process June 2021. Collection method: clinical testing. Allele origin: germline. Affected: yes.
Comment: Not observed at significant frequency in large population cohorts (gnomAD); In silico analysis supports that this missense variant has a deleterious effect on protein structure/function; Has not been previously published as pathogenic or benign to our knowledge; This variant is associated with the following publications: (PMID: 21120944, 17531815)